The following is an entry in ClinVar:

NM_001851.6(COL9A1):c.1177C>G (p.Pro393Ala)

Genes: COL9A1 (collagen type IX alpha 1 chain; minus strand), LOC129996692 (ATAC-STARR-seq lymphoblastoid active region 24730; plus strand). Cytogenetic location: 6q13.
Variant type: single nucleotide variant.
Coding change: c.1177C>G on transcript NM_001851.6 (MANE Select); coding-DNA position 1177, C replaced by G.
Protein change: p.Pro393Ala; replaces proline 393 with alanine.
Molecular consequence: missense variant. On other transcripts: non-coding transcript variant (1).
Genome position (GRCh38, 1-based): chr6:70,270,334, G>C on the plus strand (C>G on the coding strand, the complement: COL9A1 is on the minus strand). VCF-style: chr6-70270334-G-C. GRCh37 (hg19) VCF-style: chr6-70980037-G-C.
Other names: c.448C>G, p.Pro150Ala (NM_001377289.1, NM_001377290.1, NM_078485.4); short protein forms P393A, P150A.
Identifiers: ClinVar variation 1947052 (VCV001947052.3), dbSNP rs777952773, ClinGen allele CA364681210.
Genomic context (GRCh38, chr6:70,270,334, plus strand): 5'-TCTCAGACACAAACAGAAATTCAAGCTGCAAATAACTTACTCTGGGTCCTGGGGGGCCAG[G>C]GGGGCCAGGTGGTCCTCTTCTCCCAGGGTCACCCTAAGTTATTTGAAAATTGCGACACAG-3'
Protein context (NP_001842.3, residues 383-403): DPGRRGPPGP[Pro393Ala]GPPGPRGTIG

ClinVar aggregate classification (germline): Uncertain significance. Review status: criteria provided, multiple submitters, no conflicts (2 of 4 stars). 2 submissions from 2 submitters: Uncertain significance (2). Last evaluated 2023-05-19.

gnomAD v4.1: 10 of 1,613,640 alleles (0.00062%); highest among the groups gnomAD compares: African/African-American, 0.0027%; no homozygotes.

Submissions (2):

Blueprint Genetics
Classification: Uncertain significance. Last evaluated: 2023-05-19. Review status: criteria provided, single submitter. Criteria: ACMG Guidelines, 2015. Collection method: clinical testing. Allele origin: germline.

Labcorp Genetics (formerly Invitae), Labcorp
Classification: Uncertain significance. Last evaluated: 2022-08-16. Review status: criteria provided, single submitter. Criteria: Invitae Variant Classification Sherloc (09022015). Collection method: clinical testing. Allele origin: germline.
Comment: This sequence change replaces proline, which is neutral and non-polar, with alanine, which is neutral and non-polar, at codon 393 of the COL9A1 protein (p.Pro393Ala). This variant is present in population databases (no rsID available, gnomAD 0.01%). This variant has not been reported in the literature in individuals affected with COL9A1-related conditions. Advanced modeling of protein sequence and biophysical properties (such as structural, functional, and spatial information, amino acid conservation, physicochemical variation, residue mobility, and thermodynamic stability) performed at Invitae indicates that this missense variant is not expected to disrupt COL9A1 protein function. In summary, the available evidence is currently insufficient to determine the role of this variant in disease. Therefore, it has been classified as a Variant of Uncertain Significance.